The following is an entry in ClinVar:

NM_017662.5(TRPM6):c.544+129TCCT[13]

Gene: TRPM6 (transient receptor potential cation channel subfamily M member 6; minus strand). Cytogenetic location: 9q21.13.
Variant type: Microsatellite.
Coding change: c.544+129TCCT[13] on transcript NM_017662.5 (MANE Select); 13 copies in a row of the 4-base unit TCCT starting at c.544+129; the reference has ten copies in a row; three copies, 12 bases duplicated.
Molecular consequence: intron variant.
Genome position (GRCh38, 1-based): chr9:74,839,856-74,839,867, AGGAAGGAAGGA duplicated on the plus strand (TCCTTCCTTCCT on the coding strand, the reverse complement: TRPM6 is on the minus strand); duplicating any 12 consecutive bases within chr9:74,839,856-74,839,895 gives the same sequence; the position shown is the placement nearest the transcript's 3' end. VCF-style (leftmost placement, unchanged base first): chr9-74839855-G-GAGGAAGGAAGGA. GRCh37 (hg19) VCF-style: chr9-77454771-G-GAGGAAGGAAGGA.
Other names: c.529+129TCCT[13] (NM_001177310.2, NM_001177311.2).
Identifiers: ClinVar variation 1707351 (VCV001707351.2), dbSNP rs527635762, ClinGen allele CA588560102.

ClinVar aggregate classification (germline): Likely benign (1 of 4 stars; one submission).

Submission:

GeneDx
Classification: Likely benign. Last evaluated: 2020-03-07. Review status: criteria provided, single submitter. Criteria: GeneDx Variant Classification Process June 2021. Collection method: clinical testing. Allele origin: germline. Affected: yes.
Comment: See Variant Classification Assertion Criteria.